The following is an entry in ClinVar:

NM_003718.5(CDK13):c.2267T>C (p.Leu756Pro)

Gene: CDK13 (cyclin dependent kinase 13; plus strand). Cytogenetic location: 7p14.1.
Variant type: single nucleotide variant.
Coding change: c.2267T>C on transcript NM_003718.5 (MANE Select); coding-DNA position 2267, T replaced by C.
Protein change: p.Leu756Pro; replaces leucine 756 with proline.
Molecular consequence: missense variant.
Genome position (GRCh38, 1-based): chr7:40,001,945, T>C. VCF-style: chr7-40001945-T-C. GRCh37 (hg19) VCF-style: chr7-40041544-T-C.
Other names: c.2267T>C, p.Leu756Pro (NM_031267.4); short protein forms L756P.
Identifiers: ClinVar variation 3359609 (VCV003359609.1).

ClinVar aggregate classification (germline): Uncertain significance (1 of 4 stars; one submission).

Submission:

GeneDx
Classification: Uncertain significance. Last evaluated: 2023-06-14. Review status: criteria provided, single submitter. Criteria: GeneDx Variant Classification Process June 2021. Collection method: clinical testing. Allele origin: germline. Affected: yes.
Comment: Not observed at significant frequency in large population cohorts (gnomAD); In silico analysis supports that this missense variant has a deleterious effect on protein structure/function; Has not been previously published as pathogenic or benign to our knowledge